The following is an entry in ClinVar:

ClinVar aggregate classification (germline): Uncertain significance (1 of 4 stars; one submission).

Allele frequency attached by ClinVar (database versions not stated): TOPMed below 0.00001.

Submission:

Laboratorio de Genetica e Diagnostico Molecular, Hospital Israelita Albert Einstein
Classification: Uncertain significance. Last evaluated: 2021-09-03. Review status: criteria provided, single submitter. Criteria: ACMG Guidelines, 2015. Collection method: clinical testing. Allele origin: germline. Affected: yes.
Comment: ACMG classification criteria: PM2, BP4

NM_001352027.3(PHF21A):c.1685-10T>C

Gene: PHF21A (PHD finger protein 21A; minus strand). Cytogenetic location: 11p11.2.
Variant type: single nucleotide variant.
Coding change: c.1685-10T>C on transcript NM_001352027.3 (MANE Select); 10 bases into the intron before coding-DNA position 1685, T replaced by C.
Molecular consequence: intron variant.
Genome position (GRCh38, 1-based): chr11:45,935,749, A>G on the plus strand (T>C on the coding strand, the complement: PHF21A is on the minus strand). VCF-style: chr11-45935749-A-G. GRCh37 (hg19) VCF-style: chr11-45957300-A-G.
Other names: c.1541-10T>C (NM_001352030.3, NM_001352031.3, NM_001352032.3); c.1682-10T>C (NM_001101802.3); c.1685-10T>C (NM_001352026.3, NM_001352025.3); c.1544-10T>C (NM_016621.5, NM_001352028.1, NM_001352029.1).
Identifiers: ClinVar variation 1691053 (VCV001691053.2), dbSNP rs2088828407, ClinGen allele CA1968706559.